The following is an entry in ClinVar:

NM_022124.6(CDH23):c.4700T>C (p.Ile1567Thr)

Gene: CDH23 (cadherin related 23; plus strand). Cytogenetic location: 10q22.1.
Variant type: single nucleotide variant.
Coding change: c.4700T>C on transcript NM_022124.6 (MANE Select); coding-DNA position 4700, T replaced by C.
Protein change: p.Ile1567Thr; replaces isoleucine 1567 with threonine.
Molecular consequence: missense variant.
Genome position (GRCh38, 1-based): chr10:71,741,776, T>C. VCF-style: chr10-71741776-T-C. GRCh37 (hg19) VCF-style: chr10-73501533-T-C.
Other names: short protein forms I1567T.
Identifiers: ClinVar variation 858461 (VCV000858461.7), dbSNP rs756184489, ClinGen allele CA5545131.

ClinVar aggregate classification (germline): Uncertain significance. Review status: criteria provided, multiple submitters, no conflicts (2 of 4 stars). 5 submissions from 5 submitters: Uncertain significance (4). 1 of the submissions does not count toward it. Last evaluated 2026-08-20.

Conditions:
CDH23-related disorder. Also called: CDH23-related condition; CDH23-related disorders.
Inborn genetic diseases. Identifiers: MedGen C0950123, MeSH D030342.
Usher syndrome type 1 (USH1). Also called: RETINITIS PIGMENTOSA AND CONGENITAL DEAFNESS. Identifiers: Orphanet 231169, Orphanet 886, MedGen C1568247, MONDO:0010168, OMIM 276900.

Allele frequency attached by ClinVar (database versions not stated): TOPMed 0.00005; gnomAD 0.00006 and 0.00007; gnomAD exomes 0.00011 and 0.00002; ExAC 0.00003.
gnomAD v4.1: 163 of 1,612,652 alleles (0.01%); highest among the groups gnomAD compares: Non-Finnish European, 0.013%; no homozygotes.

Submissions (5):

GeneDx
Classification: Uncertain significance. Last evaluated: 2026-08-20. Review status: criteria provided, single submitter. Criteria: GeneDx Variant Classification Process June 2021. Collection method: clinical testing. Allele origin: germline.
Comment: Not observed at significant frequency in large population cohorts (gnomAD); In silico analysis supports that this missense variant has a deleterious effect on protein structure/function; Has not been previously published as pathogenic or benign to our knowledge

PreventionGenetics, part of Exact Sciences
Classification: Uncertain significance for CDH23-related condition. Last evaluated: 2026-05-26. Review status: criteria provided, single submitter. Criteria: ACMG Guidelines, 2015. Collection method: clinical testing. Allele origin: germline.
Comment: The CDH23 c.4700T>C variant is predicted to result in the amino acid substitution p.Ile1567Thr. To our knowledge, this variant has not been reported in the literature. This variant is reported in 0.0055% of alleles in individuals of European (Non-Finnish) descent in gnomAD. At this time, the clinical significance of this variant is uncertain due to the absence of conclusive functional and genetic evidence.

Ambry Genetics
Classification: Uncertain significance for Inborn genetic diseases. Last evaluated: 2025-08-05. Review status: criteria provided, single submitter. Criteria: Ambry Variant Classification Scheme 2023. Collection method: clinical testing. Allele origin: germline.

Labcorp Genetics (formerly Invitae), Labcorp
Classification: Uncertain significance. Last evaluated: 2022-06-17. Review status: criteria provided, single submitter. Criteria: Invitae Variant Classification Sherloc (09022015). Collection method: clinical testing. Allele origin: germline.
Comment: This sequence change replaces isoleucine, which is neutral and non-polar, with threonine, which is neutral and polar, at codon 1567 of the CDH23 protein (p.Ile1567Thr). This variant is present in population databases (rs756184489, gnomAD 0.005%). This variant has not been reported in the literature in individuals affected with CDH23-related conditions. ClinVar contains an entry for this variant (Variation ID: 858461). Algorithms developed to predict the effect of missense changes on protein structure and function are either unavailable or do not agree on the potential impact of this missense change (SIFT: "Deleterious"; PolyPhen-2: "Not Available"; Align-GVGD: "Class C65"). In summary, the available evidence is currently insufficient to determine the role of this variant in disease. Therefore, it has been classified as a Variant of Uncertain Significance.

Natera, Inc.
Classification: Uncertain significance for Usher syndrome type 1. Last evaluated: 2020-02-26. Review status: no assertion criteria provided. Collection method: clinical testing. Allele origin: germline. Not counted in ClinVar's aggregate classification.